The following is an entry in ClinVar:

ClinVar aggregate classification (germline): Uncertain significance (1 of 4 stars; one submission).

Conditions:
Loeys-Dietz syndrome 2 (LDS2). Also called: MARFAN SYNDROME, TYPE II; AORTIC ANEURYSM, FAMILIAL THORACIC 3; Marfan syndrome, type 2 (formerly); TGFBR2-Related Loeys-Dietz Syndrome; Marfan Syndrome type 2; Marfan like connective tissue disorder. Identifiers: Orphanet 284973, Orphanet 558, MedGen C2674574, MONDO:0012427, OMIM 610168.

Allele frequency attached by ClinVar (database versions not stated): gnomAD exomes below 0.00001.

Submission:

Labcorp Genetics (formerly Invitae), Labcorp
Classification: Uncertain significance for Loeys-Dietz syndrome 2. Last evaluated: 2021-09-01. Review status: criteria provided, single submitter. Criteria: Invitae Variant Classification Sherloc (09022015). Collection method: clinical testing. Allele origin: germline.
Comment: This sequence change replaces lysine with arginine at codon 148 of the TMPO protein (p.Lys148Arg). The lysine residue is highly conserved and there is a small physicochemical difference between lysine and arginine. This variant is not present in population databases (ExAC no frequency). This variant has not been reported in the literature in individuals affected with TMPO-related conditions. Algorithms developed to predict the effect of missense changes on protein structure and function (SIFT, PolyPhen-2, Align-GVGD) all suggest that this variant is likely to be disruptive. In summary, the available evidence is currently insufficient to determine the role of this variant in disease. Therefore, it has been classified as a Variant of Uncertain Significance.

NM_001032283.3(TMPO):c.443A>G (p.Lys148Arg)

Gene: TMPO (thymopoietin; plus strand). Cytogenetic location: 12q23.1.
Variant type: single nucleotide variant.
Coding change: c.443A>G on transcript NM_001032283.3 (MANE Select); coding-DNA position 443, A replaced by G.
Protein change: p.Lys148Arg; replaces lysine 148 with arginine.
Molecular consequence: missense variant.
Genome position (GRCh38, 1-based): chr12:98,531,716, A>G. VCF-style: chr12-98531716-A-G. GRCh37 (hg19) VCF-style: chr12-98925494-A-G.
Other names: c.443A>G, p.Lys148Arg (NM_001032284.3, NM_001307975.2, NM_003276.2); short protein forms K148R.
Identifiers: ClinVar variation 1470659 (VCV001470659.6), dbSNP rs2121195483, ClinGen allele CA386151059.
Genomic context (GRCh38, chr12:98,531,716, plus strand): 5'-AAAGCAAGTTCTGCCTTAATCCAGGAACAACCAGGAAGCTATATGAGAAAAAGCTTTTGA[A>G]ACTGAGGGAACAAGGAACAGAATCAAGATCTTCTACTCCTCTGCCAACAATTTCTTCTTC-3'
Protein context (NP_001027454.1, residues 138-158): TRKLYEKKLL[Lys148Arg]LREQGTESRS